The following is an entry in ClinVar:

ClinVar aggregate classification (germline): Uncertain significance (1 of 4 stars; one submission).

Conditions:
Ataxia-telangiectasia syndrome (AT). Also called: ATAXIA-TELANGIECTASIA, COMPLEMENTATION GROUP A; ATAXIA-TELANGIECTASIA, FRESNO VARIANT; LOUIS-BAR SYNDROME; Ataxia-telangiectasia, complementation group D; Ataxia-telangiectasia, complementation group E; Cerebello-oculocutaneous telangiectasia. Identifiers: Orphanet 100, MedGen C0004135, MONDO:0008840, OMIM 208900.

Submission:

Labcorp Genetics (formerly Invitae), Labcorp
Classification: Uncertain significance for Ataxia-telangiectasia syndrome. Last evaluated: 2024-05-07. Review status: criteria provided, single submitter. Criteria: Invitae Variant Classification Sherloc (09022015). Collection method: clinical testing. Allele origin: germline.
Comment: This sequence change replaces isoleucine, which is neutral and non-polar, with phenylalanine, which is neutral and non-polar, at codon 124 of the ATM protein (p.Ile124Phe). This variant is not present in population databases (gnomAD no frequency). This variant has not been reported in the literature in individuals affected with ATM-related conditions. An algorithm developed to predict the effect of missense changes on protein structure and function (PolyPhen-2) suggests that this variant is likely to be tolerated. In summary, the available evidence is currently insufficient to determine the role of this variant in disease. Therefore, it has been classified as a Variant of Uncertain Significance.

NM_000051.4(ATM):c.370A>T (p.Ile124Phe)

Gene: ATM (ATM serine/threonine kinase; plus strand). Cytogenetic location: 11q22.3.
Variant type: single nucleotide variant.
Coding change: c.370A>T on transcript NM_000051.4 (MANE Select); coding-DNA position 370, A replaced by T.
Protein change: p.Ile124Phe; replaces isoleucine 124 with phenylalanine.
Molecular consequence: missense variant.
Genome position (GRCh38, 1-based): chr11:108,235,708, A>T. VCF-style: chr11-108235708-A-T. GRCh37 (hg19) VCF-style: chr11-108106435-A-T.
Other names: c.370A>T, p.Ile124Phe (NM_001351834.2); short protein forms I124F.
Identifiers: ClinVar variation 3652459 (VCV003652459.2).